The following is an entry in ClinVar:

ClinVar aggregate classification (germline): Likely benign (0 of 4 stars; one submission).

Conditions:
OTOGL-related disorder. Also called: OTOGL-related condition.

Allele frequency attached by ClinVar (database versions not stated): TOPMed 0.00001; gnomAD 0.00004; gnomAD exomes 0.00006; ExAC 0.00046.
gnomAD v4.1: 93 of 1,538,228 alleles (0.006%); highest among the groups gnomAD compares: South Asian, 0.11%; 2 homozygotes.

Submission:

PreventionGenetics, part of Exact Sciences
Classification: Likely benign for OTOGL-related condition. Last evaluated: 2020-11-25. Review status: no assertion criteria provided. Collection method: clinical testing. Allele origin: germline.
Comment: This variant is classified as likely benign based on ACMG/AMP sequence variant interpretation guidelines (Richards et al. 2015 PMID: 25741868, with internal and published modifications).

NM_001378609.3(OTOGL):c.1160-7G>C

Gene: OTOGL (otogelin like; plus strand). Cytogenetic location: 12q21.31.
Variant type: single nucleotide variant.
Coding change: c.1160-7G>C on transcript NM_001378609.3 (MANE Select); 7 bases into the intron before coding-DNA position 1160, G replaced by C.
Molecular consequence: intron variant.
Genome position (GRCh38, 1-based): chr12:80,252,069, G>C. VCF-style: chr12-80252069-G-C. GRCh37 (hg19) VCF-style: chr12-80645849-G-C.
Other names: c.1160-7G>C (NM_001368062.3, NM_001378610.3, NM_173591.7).
Identifiers: ClinVar variation 3036769 (VCV003036769.2), dbSNP rs775004232, ClinGen allele CA6700386.